The following is an entry in ClinVar:

ClinVar aggregate classification (germline): Uncertain significance (1 of 4 stars; one submission).

Submission:

Ambry Genetics
Classification: Uncertain significance. Last evaluated: 2026-03-28. Review status: criteria provided, single submitter. Criteria: Ambry Variant Classification Scheme 2023. Collection method: clinical testing. Allele origin: germline.
Comment: The p.V50F variant (also known as c.148G>T), located in coding exon 2 of the A2ML1 gene, results from a G to T substitution at nucleotide position 148. The valine at codon 50 is replaced by phenylalanine, an amino acid with highly similar properties. This amino acid position is conserved. In addition, this alteration is predicted to be tolerated by in silico analysis. Based on the available evidence, the clinical significance of this variant remains unclear.

NM_144670.6(A2ML1):c.148G>T (p.Val50Phe)

Genes: A2ML1 (alpha-2-macroglobulin like 1; plus strand), A2ML1-AS1 (A2ML1 antisense RNA 1; minus strand). Cytogenetic location: 12p13.31.
Variant type: single nucleotide variant.
Coding change: c.148G>T on transcript NM_144670.6 (MANE Select); coding-DNA position 148, G replaced by T.
Protein change: p.Val50Phe; replaces valine 50 with phenylalanine.
Molecular consequence: missense variant.
Genome position (GRCh38, 1-based): chr12:8,823,267, G>T. VCF-style: chr12-8823267-G-T. GRCh37 (hg19) VCF-style: chr12-8975863-G-T.
Other names: short protein forms V50F.
Identifiers: ClinVar variation 2234565 (VCV002234565.3), dbSNP rs2539171904, ClinGen allele CA383817990.